The following is an entry in ClinVar:

ClinVar aggregate classification (germline): Uncertain significance (1 of 4 stars; one submission).

Conditions:
Perlman syndrome (PRLMNS). Identifiers: Orphanet 2849, MedGen C0796113, MONDO:0009965, OMIM 267000.

Submission:

Labcorp Genetics (formerly Invitae), Labcorp
Classification: Uncertain significance for Perlman syndrome. Last evaluated: 2021-06-07. Review status: criteria provided, single submitter. Criteria: Invitae Variant Classification Sherloc (09022015). Collection method: clinical testing. Allele origin: germline.
Comment: This sequence change replaces histidine with tyrosine at codon 865 of the DIS3L2 protein (p.His865Tyr). The histidine residue is weakly conserved and there is a moderate physicochemical difference between histidine and tyrosine. This variant is not present in population databases (ExAC no frequency). This variant has not been reported in the literature in individuals with DIS3L2-related disease. Algorithms developed to predict the effect of missense changes on protein structure and function (SIFT, PolyPhen-2, Align-GVGD) all suggest that this variant is likely to be tolerated, but these predictions have not been confirmed by published functional studies and their clinical significance is uncertain. In summary, the available evidence is currently insufficient to determine the role of this variant in disease. Therefore, it has been classified as a Variant of Uncertain Significance.

NM_152383.5(DIS3L2):c.2593C>T (p.His865Tyr)

Gene: DIS3L2 (DIS3 like 3'-5' exoribonuclease 2; plus strand). Cytogenetic location: 2q37.1.
Variant type: single nucleotide variant.
Coding change: c.2593C>T on transcript NM_152383.5 (MANE Select); coding-DNA position 2593, C replaced by T.
Protein change: p.His865Tyr; replaces histidine 865 with tyrosine.
Molecular consequence: missense variant. On other transcripts: non-coding transcript variant (2), intron variant (1).
Genome position (GRCh38, 1-based): chr2:232,336,565, C>T. VCF-style: chr2-232336565-C-T. GRCh37 (hg19) VCF-style: chr2-233201275-C-T.
Other names: c.1582-6780C>T (NM_001257281.2); short protein forms H865Y.
Identifiers: ClinVar variation 581932 (VCV000581932.8), dbSNP rs1559221737, ClinGen allele CA350979029.